The following is an entry in ClinVar:

NM_001110556.2(FLNA):c.7017C>A (p.Ser2339Arg)

Gene: FLNA (filamin A; minus strand). Cytogenetic location: Xq28.
Variant type: single nucleotide variant.
Coding change: c.7017C>A on transcript NM_001110556.2 (MANE Select); coding-DNA position 7017, C replaced by A.
Protein change: p.Ser2339Arg; replaces serine 2339 with arginine.
Molecular consequence: missense variant.
Genome position (GRCh38, 1-based): chrX:154,351,587, G>T on the plus strand (C>A on the coding strand, the complement: FLNA is on the minus strand). VCF-style: chrX-154351587-G-T. GRCh37 (hg19) VCF-style: chrX-153579955-G-T.
Other names: c.6993C>A, p.Ser2331Arg (NM_001456.4); short protein forms S2339R, S2331R.
Identifiers: ClinVar variation 2921742 (VCV002921742.3), dbSNP rs2522718664, ClinGen allele CA415185483.
Genomic context (GRCh38, chrX:154,351,587, plus strand): 5'-CTGGTCTGTCCGGGCCCAGGAGCCCCAGGTGGGCGGTTTCTCTCGGTGCCTCACCTGAAG[G>T]CTAGAAACAGTGAGGCGGCGGGCGTCGCCAGACGGAGAAGCCACAGGCACCACGAAGGGG-3'
Protein context (NP_001104026.1, residues 2329-2349): SGDARRLTVS[Ser2339Arg]LQESGLKVNQ

ClinVar aggregate classification (germline): Uncertain significance (1 of 4 stars; one submission).

Conditions:
Oto-palato-digital syndrome, type II (OPD2). Also called: Otopalatodigital Syndrome Type 2 (FLNA-OPD2); FACIOPALATOOSSEOUS SYNDROME; OPD II SYNDROME; Otopalatodigital Syndrome, Type II. Identifiers: Orphanet 669, Orphanet 90652, MedGen C1844696, MONDO:0010571, OMIM 304120.
Heterotopia, periventricular, X-linked dominant (PVNH1). Also called: PERIVENTRICULAR NODULAR HETEROTOPIA 1; X-linked periventricular heterotopia; PERIVENTRICULAR NODULAR HETEROTOPIA 4; HETEROTOPIA, PERIVENTRICULAR, 1. Identifiers: Orphanet 2149, Orphanet 82004, MedGen C1848213, MONDO:0010233, OMIM 300049.
Melnick-Needles syndrome (MNS). Also called: Melnick-Needles Syndrome (FLNA-MNS); MELNICK-NEEDLES OSTEODYSPLASTY; OSTEODYSPLASTY OF MELNICK AND NEEDLES. Identifiers: Orphanet 2484, MedGen C0025237, MONDO:0010650, OMIM 309350.
Frontometaphyseal dysplasia (FMD1). Identifiers: Orphanet 1826, MedGen C0265293, MONDO:0015942.

Submission:

Labcorp Genetics (formerly Invitae), Labcorp
Classification: Uncertain significance for Oto-palato-digital syndrome, type II; Heterotopia, periventricular, X-linked dominant; Frontometaphyseal dysplasia; Melnick-Needles syndrome. Last evaluated: 2023-12-27. Review status: criteria provided, single submitter. Criteria: Invitae Variant Classification Sherloc (09022015). Collection method: clinical testing. Allele origin: germline.
Comment: This sequence change replaces serine, which is neutral and polar, with arginine, which is basic and polar, at codon 2331 of the FLNA protein (p.Ser2331Arg). This variant is not present in population databases (gnomAD no frequency). This variant has not been reported in the literature in individuals affected with FLNA-related conditions. Advanced modeling of protein sequence and biophysical properties (such as structural, functional, and spatial information, amino acid conservation, physicochemical variation, residue mobility, and thermodynamic stability) performed at Invitae indicates that this missense variant is not expected to disrupt FLNA protein function with a negative predictive value of 95%. In summary, the available evidence is currently insufficient to determine the role of this variant in disease. Therefore, it has been classified as a Variant of Uncertain Significance.